The following is an entry in ClinVar:

ClinVar aggregate classification (germline): Uncertain significance (1 of 4 stars; one submission).

Allele frequency attached by ClinVar (database versions not stated): gnomAD exomes 0.00001.
gnomAD v4.1: 7 of 1,447,442 alleles (0.00048%); highest among the groups gnomAD compares: Non-Finnish European, 0.00063%; no homozygotes.

Submission:

Labcorp Genetics (formerly Invitae), Labcorp
Classification: Uncertain significance. Last evaluated: 2022-03-18. Review status: criteria provided, single submitter. Criteria: Invitae Variant Classification Sherloc (09022015). Collection method: clinical testing. Allele origin: germline.
Comment: This sequence change replaces glycine, which is neutral and non-polar, with serine, which is neutral and polar, at codon 116 of the LZTS1 protein (p.Gly116Ser). This variant is not present in population databases (gnomAD no frequency). This variant has not been reported in the literature in individuals affected with LZTS1-related conditions. Algorithms developed to predict the effect of missense changes on protein structure and function output the following: SIFT: "Tolerated"; PolyPhen-2: "Benign"; Align-GVGD: "Class C0". The serine amino acid residue is found in multiple mammalian species, which suggests that this missense change does not adversely affect protein function. In summary, the available evidence is currently insufficient to determine the role of this variant in disease. Therefore, it has been classified as a Variant of Uncertain Significance.

NM_021020.5(LZTS1):c.346G>A (p.Gly116Ser)

Gene: LZTS1 (leucine zipper tumor suppressor 1; minus strand). Cytogenetic location: 8p21.3.
Variant type: single nucleotide variant.
Coding change: c.346G>A on transcript NM_021020.5 (MANE Select); coding-DNA position 346, G replaced by A.
Protein change: p.Gly116Ser; replaces glycine 116 with serine.
Molecular consequence: missense variant.
Genome position (GRCh38, 1-based): chr8:20,253,585, C>T on the plus strand (G>A on the coding strand, the complement: LZTS1 is on the minus strand). VCF-style: chr8-20253585-C-T. GRCh37 (hg19) VCF-style: chr8-20111096-C-T.
Other names: c.346G>A, p.Gly116Ser (NM_001362884.2); short protein forms G116S.
Identifiers: ClinVar variation 2114031 (VCV002114031.4), dbSNP rs1384534317, ClinGen allele CA370478457.